The following is an entry in ClinVar:

NM_001395159.1(UNC79):c.1879del (p.Glu627fs)

Gene: UNC79 (unc-79 homolog, NALCN channel complex subunit; plus strand). Cytogenetic location: 14q32.12.
Variant type: Deletion.
Coding change: c.1879del on transcript NM_001395159.1 (MANE Select); coding-DNA position 1879, one base deleted (G; older notation c.1879delG).
Protein change: p.Glu627fs; shifts the reading frame from glutamic acid 627.
Molecular consequence: frameshift variant.
Genome position (GRCh38, 1-based): chr14:93,572,017, G deleted; the last of 2 consecutive G bases (chr14:93,572,016-93,572,017); deleting either gives the same sequence. VCF-style (leftmost placement, unchanged base first): chr14-93572015-CG-C. GRCh37 (hg19) VCF-style: chr14-94038361-CG-C.
Other names: c.1879del, p.Glu627fs (NM_001346218.2); c.1348del, p.Glu450fs (NM_020818.5); short protein forms E627fs, E450fs.
Identifiers: ClinVar variation 3813609 (VCV003813609.1).

ClinVar aggregate classification (germline): Pathogenic (1 of 4 stars; one submission).

Conditions:
Inborn genetic diseases. Identifiers: MedGen C0950123, MeSH D030342.

Submission:

Ambry Genetics
Classification: Pathogenic for Inborn genetic diseases. Last evaluated: 2025-01-15. Review status: criteria provided, single submitter. Criteria: Ambry Variant Classification Scheme 2023. Collection method: clinical testing. Allele origin: germline.
Comment: The c.1348delG (p.E450Nfs*15) alteration, located in exon 15 (coding exon 12) of the UNC79 gene, consists of a deletion of one nucleotide at position 1348, causing a translational frameshift with a predicted alternate stop codon after 15 amino acids. This alteration is expected to result in loss of function by premature protein truncation or nonsense-mediated mRNA decay. This variant was not reported in population-based cohorts in the Genome Aggregation Database (gnomAD). Based on the available evidence, this alteration is classified as pathogenic.